The following is an entry in ClinVar:

ClinVar aggregate classification (germline): Uncertain significance (1 of 4 stars; one submission).

Conditions:
Arrhythmogenic right ventricular dysplasia 9 (ARVD9). Also called: Arrhythmogenic Right Ventricular Dysplasia/Cardiomyopathy 9; ARRHYTHMOGENIC RIGHT VENTRICULAR DYSPLASIA, FAMILIAL, 9. Identifiers: MedGen C1836906, MONDO:0012180, OMIM 609040.

Submission:

Labcorp Genetics (formerly Invitae), Labcorp
Classification: Uncertain significance for Arrhythmogenic right ventricular dysplasia 9. Last evaluated: 2024-09-18. Review status: criteria provided, single submitter. Criteria: Invitae Variant Classification Sherloc (09022015). Collection method: clinical testing. Allele origin: germline.
Comment: This sequence change replaces arginine, which is basic and polar, with glutamine, which is neutral and polar, at codon 14 of the PKP2 protein (p.Arg14Gln). This variant is not present in population databases (gnomAD no frequency). This variant has not been reported in the literature in individuals affected with PKP2-related conditions. An algorithm developed to predict the effect of missense changes on protein structure and function (PolyPhen-2) suggests that this variant is likely to be disruptive. In summary, the available evidence is currently insufficient to determine the role of this variant in disease. Therefore, it has been classified as a Variant of Uncertain Significance.

NM_001005242.3(PKP2):c.41G>A (p.Arg14Gln)

Gene: PKP2 (plakophilin 2; minus strand). Cytogenetic location: 12p11.21.
Variant type: single nucleotide variant.
Coding change: c.41G>A on transcript NM_001005242.3 (MANE Select); coding-DNA position 41, G replaced by A.
Protein change: p.Arg14Gln; replaces arginine 14 with glutamine.
Molecular consequence: missense variant. On other transcripts: 5 prime UTR variant (4).
Genome position (GRCh38, 1-based): chr12:32,896,691, C>T on the plus strand (G>A on the coding strand, the complement: PKP2 is on the minus strand). VCF-style: chr12-32896691-C-T. GRCh37 (hg19) VCF-style: chr12-33049625-C-T.
Other names: c.41G>A, p.Arg14Gln (NM_001407155.1, NM_001407156.1, NM_001407157.1 and 2 more transcripts); c.-786G>A (NM_001407158.1, NM_001407162.1); c.-550G>A (NM_001407159.1, NM_001407160.1); short protein forms R14Q.
Identifiers: ClinVar variation 3632931 (VCV003632931.2).